The following is an entry in ClinVar:

NM_004287.5(GOSR2):c.320G>C (p.Arg107Pro)

Genes: GOSR2 (golgi SNAP receptor complex member 2; plus strand), LRRC37A2 (leucine rich repeat containing 37 member A2). Cytogenetic location: 17q21.32.
Variant type: single nucleotide variant.
Coding change: c.320G>C on transcript NM_004287.5 (MANE Select); coding-DNA position 320, G replaced by C.
Protein change: p.Arg107Pro; replaces arginine 107 with proline.
Molecular consequence: missense variant. On other transcripts: non-coding transcript variant (3).
Genome position (GRCh38, 1-based): chr17:46,932,183, G>C. VCF-style: chr17-46932183-G-C. GRCh37 (hg19) VCF-style: chr17-45009549-G-C.
Other names: c.320G>C, p.Arg107Pro (NM_001012511.3, NM_001321133.2, NM_001330252.2 and 1 more transcripts); c.266G>C, p.Arg89Pro (NM_001321134.2, NM_001363851.2); c.317G>C, p.Arg106Pro (NM_001353114.2, NM_001353115.2, NM_001353116.2); short protein forms R107P, R106P, R89P.
Identifiers: ClinVar variation 944989 (VCV000944989.8), dbSNP rs750960207, ClinGen allele CA400017099.

ClinVar aggregate classification (germline): Uncertain significance. Review status: criteria provided, multiple submitters, no conflicts (2 of 4 stars). 2 submissions from 2 submitters: Uncertain significance (2). Last evaluated 2025-11-26.

Conditions:
Inborn genetic diseases. Identifiers: MedGen C0950123, MeSH D030342.
Progressive myoclonic epilepsy. Also called: Myoclonus epilepsy; Progressive myoclonus epilepsy; Familial progressive myoclonic epilepsy; Myoclonic Epilepsies, Progressive. Identifiers: Orphanet 308, Orphanet 98261, MedGen C0751778, MONDO:0020074.

gnomAD v4.1: 1 of 1,614,036 alleles (0.000062%); highest among the groups gnomAD compares: Non-Finnish European, 0.000085%; no homozygotes.

Submissions (2):

Ambry Genetics
Classification: Uncertain significance for Inborn genetic diseases. Last evaluated: 2025-11-26. Review status: criteria provided, single submitter. Criteria: Ambry Variant Classification Scheme 2023. Collection method: clinical testing. Allele origin: germline.

Labcorp Genetics (formerly Invitae), Labcorp
Classification: Uncertain significance for Progressive myoclonic epilepsy. Last evaluated: 2022-10-17. Review status: criteria provided, single submitter. Criteria: Invitae Variant Classification Sherloc (09022015). Collection method: clinical testing. Allele origin: germline.
Comment: This sequence change replaces arginine, which is basic and polar, with proline, which is neutral and non-polar, at codon 107 of the GOSR2 protein (p.Arg107Pro). This variant is not present in population databases (gnomAD no frequency). This variant has not been reported in the literature in individuals affected with GOSR2-related conditions. ClinVar contains an entry for this variant (Variation ID: 944989). Algorithms developed to predict the effect of missense changes on protein structure and function are either unavailable or do not agree on the potential impact of this missense change (SIFT: "Tolerated"; PolyPhen-2: "Possibly Damaging"; Align-GVGD: "Class C0"). In summary, the available evidence is currently insufficient to determine the role of this variant in disease. Therefore, it has been classified as a Variant of Uncertain Significance.